The following is an entry in ClinVar:

NM_001161352.2(KCNMA1):c.2317G>A (p.Gly773Arg)

Genes: KCNMA1 (potassium calcium-activated channel subfamily M alpha 1; minus strand), KCNMA1-AS1 (KCNMA1 antisense RNA 1; plus strand). Cytogenetic location: 10q22.3.
Variant type: single nucleotide variant.
Coding change: c.2317G>A on transcript NM_001161352.2 (MANE Select); coding-DNA position 2317, G replaced by A.
Protein change: p.Gly773Arg; replaces glycine 773 with arginine.
Molecular consequence: missense variant.
Genome position (GRCh38, 1-based): chr10:76,970,017, C>T on the plus strand (G>A on the coding strand, the complement: KCNMA1 is on the minus strand). VCF-style: chr10-76970017-C-T. GRCh37 (hg19) VCF-style: chr10-78729775-C-T.
Other names: c.2155G>A, p.Gly719Arg (NM_001014797.3, NM_001322835.2, NM_001322837.2); c.2143G>A, p.Gly715Arg (NM_001161353.2, NM_001322832.2, NM_001410940.1 and 1 more transcripts); c.1993G>A, p.Gly665Arg (NM_001271518.2); c.2152G>A, p.Gly718Arg (NM_001271519.2, NM_001322829.2, NM_001322836.2); c.2164G>A, p.Gly722Arg (NM_001322830.2); c.1690G>A, p.Gly564Arg (NM_001322838.2); short protein forms G715R, G718R, G665R, G719R, G722R, G773R, G564R.
Identifiers: ClinVar variation 3699632 (VCV003699632.2).

ClinVar aggregate classification (germline): Uncertain significance (1 of 4 stars; one submission).

Conditions:
Generalized epilepsy-paroxysmal dyskinesia syndrome (PNKD3). Also called: Paroxysmal nonkinesigenic dyskinesia, 3, with or without generalized epilepsy; Generalized epilepsy and paroxysmal dyskinesia. Identifiers: Orphanet 79137, MedGen C5574945, MONDO:0012276, OMIM 609446.

gnomAD v4.1: 2 of 1,614,048 alleles (0.00012%); highest among the groups gnomAD compares: South Asian, 0.0011%; no homozygotes.

Submission:

Labcorp Genetics (formerly Invitae), Labcorp
Classification: Uncertain significance for Generalized epilepsy-paroxysmal dyskinesia syndrome. Last evaluated: 2024-03-09. Review status: criteria provided, single submitter. Criteria: Invitae Variant Classification Sherloc (09022015). Collection method: clinical testing. Allele origin: germline.
Comment: This sequence change replaces glycine, which is neutral and non-polar, with arginine, which is basic and polar, at codon 715 of the KCNMA1 protein (p.Gly715Arg). This variant is not present in population databases (gnomAD no frequency). This variant has not been reported in the literature in individuals affected with KCNMA1-related conditions. An algorithm developed to predict the effect of missense changes on protein structure and function (PolyPhen-2) suggests that this variant is likely to be disruptive. In summary, the available evidence is currently insufficient to determine the role of this variant in disease. Therefore, it has been classified as a Variant of Uncertain Significance.